The following is an entry in ClinVar:

NM_138927.4(SON):c.5042A>G (p.Glu1681Gly)

Gene: SON (SON DNA and RNA binding protein; plus strand). Cytogenetic location: 21q22.11.
Variant type: single nucleotide variant.
Coding change: c.5042A>G on transcript NM_138927.4 (MANE Select); coding-DNA position 5042, A replaced by G.
Protein change: p.Glu1681Gly; replaces glutamic acid 1681 with glycine.
Molecular consequence: missense variant. On other transcripts: non-coding transcript variant (1), intron variant (1).
Genome position (GRCh38, 1-based): chr21:33,554,273, A>G. VCF-style: chr21-33554273-A-G. GRCh37 (hg19) VCF-style: chr21-34926579-A-G.
Other names: c.5042A>G, p.Glu1681Gly (NM_001291411.2, NM_032195.3); c.245-2883A>G (NM_001291412.3); short protein forms E1681G.
Identifiers: ClinVar variation 4807408 (VCV004807408.1).
Genomic context (GRCh38, chr21:33,554,273, plus strand): 5'-CTAAAGATATTCATCTTGATTTACCATCTAATAATAACCTTGTTAGTAAGGATACAGAAG[A>G]ACCATTACCTGTAAAAGAGAGTGACCAGACATTAGCAGCTCTGCTCAGCCCTAAAGAAAG-3'
Protein context (NP_620305.3, residues 1671-1691): NNNLVSKDTE[Glu1681Gly]PLPVKESDQT

ClinVar aggregate classification (germline): Uncertain significance (1 of 4 stars; one submission).

gnomAD v4.1: 1 of 1,614,050 alleles (0.000062%); highest among the groups gnomAD compares: African/African-American, 0.0013%; no homozygotes.

Submission:

Labcorp Genetics (formerly Invitae), Labcorp
Classification: Uncertain significance. Last evaluated: 2025-04-11. Review status: criteria provided, single submitter. Criteria: Invitae Variant Classification Sherloc (09022015). Collection method: clinical testing. Allele origin: germline.
Comment: This sequence change replaces glutamic acid, which is acidic and polar, with glycine, which is neutral and non-polar, at codon 1681 of the SON protein (p.Glu1681Gly). This variant is present in population databases (no rsID available, gnomAD 0.01%). This variant has not been reported in the literature in individuals affected with SON-related conditions. An algorithm developed to predict the effect of missense changes on protein structure and function outputs the following: PolyPhen-2: "Benign". The glycine amino acid residue is found in multiple mammalian species, which suggests that this missense change does not adversely affect protein function. In summary, the available evidence is currently insufficient to determine the role of this variant in disease. Therefore, it has been classified as a Variant of Uncertain Significance.